The following is an entry in ClinVar:

NM_032578.4(MYPN):c.3552C>T (p.Pro1184=)

Gene: MYPN (myopalladin; plus strand). Cytogenetic location: 10q21.3.
Variant type: single nucleotide variant.
Coding change: c.3552C>T on transcript NM_032578.4 (MANE Select); coding-DNA position 3552, C replaced by T.
Protein change: p.Pro1184=; no amino-acid change (proline 1184 retained).
Molecular consequence: synonymous variant. On other transcripts: non-coding transcript variant (2).
Genome position (GRCh38, 1-based): chr10:68,201,887, C>T. VCF-style: chr10-68201887-C-T. GRCh37 (hg19) VCF-style: chr10-69961644-C-T.
Other names: c.3552C>T, p.Pro1184= (NM_001256267.2); c.2670C>T, p.Pro890= (NM_001256268.2).
Identifiers: ClinVar variation 389249 (VCV000389249.11), dbSNP rs749396604, ClinGen allele CA5523088.

ClinVar aggregate classification (germline): Likely benign. Review status: criteria provided, multiple submitters, no conflicts (2 of 4 stars). 2 submissions from 2 submitters: Likely benign (2). Last evaluated 2025-11-03.

Conditions:
Dilated cardiomyopathy 1KK (CMD1KK). Identifiers: Orphanet 154, Orphanet 75249, MedGen C3714995, MONDO:0014100, OMIM 615248.

Allele frequency attached by ClinVar (database versions not stated): gnomAD 0.00003.
gnomAD v4.1: 8 of 1,614,008 alleles (0.0005%); highest among the groups gnomAD compares: Middle Eastern, 0.016%; no homozygotes.

Submissions (2):

Labcorp Genetics (formerly Invitae), Labcorp
Classification: Likely benign for Dilated cardiomyopathy 1KK. Last evaluated: 2025-11-03. Review status: criteria provided, single submitter. Criteria: Invitae Variant Classification Sherloc (09022015). Collection method: clinical testing. Allele origin: germline.

GeneDx
Classification: Likely benign. Last evaluated: 2016-09-08. Review status: criteria provided, single submitter. Criteria: GeneDx Variant Classification (06012015). Collection method: clinical testing. Allele origin: germline. Affected: yes.
Comment: This variant is considered likely benign or benign based on one or more of the following criteria: it is a conservative change, it occurs at a poorly conserved position in the protein, it is predicted to be benign by multiple in silico algorithms, and/or has population frequency not consistent with disease.